The following is an entry in ClinVar:

NM_012330.4(KAT6B):c.160A>T (p.Ser54Cys)

Gene: KAT6B (lysine acetyltransferase 6B; plus strand). Cytogenetic location: 10q22.2.
Variant type: single nucleotide variant.
Coding change: c.160A>T on transcript NM_012330.4 (MANE Select); coding-DNA position 160, A replaced by T.
Protein change: p.Ser54Cys; replaces serine 54 with cysteine.
Molecular consequence: missense variant. On other transcripts: 5 prime UTR variant (2).
Genome position (GRCh38, 1-based): chr10:74,843,017, A>T. VCF-style: chr10-74843017-A-T. GRCh37 (hg19) VCF-style: chr10-76602775-A-T.
Other names: c.160A>T, p.Ser54Cys (NM_001256468.2, NM_001256469.2, NM_001370132.1 and 10 more transcripts); c.-379A>T (NM_001370134.1, NM_001370135.1); short protein forms S54C.
Identifiers: ClinVar variation 4745143 (VCV004745143.1).

ClinVar aggregate classification (germline): Uncertain significance (1 of 4 stars; one submission).

Conditions:
Genitopatellar syndrome (GTPTS). Also called: ABSENT PATELLAE, SCROTAL HYPOPLASIA, RENAL ANOMALIES, FACIAL DYSMORPHISM, AND MENTAL RETARDATION; Genitopatellar syndrome (GPS). Identifiers: Orphanet 85201, MedGen C1853566, MONDO:0011640, OMIM 606170.

Submission:

Labcorp Genetics (formerly Invitae), Labcorp
Classification: Uncertain significance for Genitopatellar syndrome. Last evaluated: 2025-04-09. Review status: criteria provided, single submitter. Criteria: Invitae Variant Classification Sherloc (09022015). Collection method: clinical testing. Allele origin: germline.
Comment: This sequence change replaces serine, which is neutral and polar, with cysteine, which is neutral and slightly polar, at codon 54 of the KAT6B protein (p.Ser54Cys). This variant is not present in population databases (gnomAD no frequency). This variant has not been reported in the literature in individuals affected with KAT6B-related conditions. Invitae Evidence Modeling of protein sequence and biophysical properties (such as structural, functional, and spatial information, amino acid conservation, physicochemical variation, residue mobility, and thermodynamic stability) indicates that this missense variant is not expected to disrupt KAT6B protein function with a negative predictive value of 80%. In summary, the available evidence is currently insufficient to determine the role of this variant in disease. Therefore, it has been classified as a Variant of Uncertain Significance.